The following is an entry in ClinVar:

ClinVar aggregate classification (germline): Uncertain significance (1 of 4 stars; one submission).

Submission:

Ambry Genetics
Classification: Uncertain significance. Last evaluated: 2025-12-22. Review status: criteria provided, single submitter. Criteria: Ambry Variant Classification Scheme 2023. Collection method: clinical testing. Allele origin: germline.
Comment: The c.5666A>T (p.Q1889L) alteration is located in exon 2 (coding exon 2) of the TCHH gene. This alteration results from a A to T substitution at nucleotide position 5666, causing the glutamine (Q) at amino acid position 1889 to be replaced by a leucine (L). Based on data from gnomAD, the T allele has an overall frequency of 0.001% (3/280946) total alleles studied. The highest observed frequency was 0.003% (1/30594) of South Asian alleles. Based on insufficient or conflicting evidence, the clinical significance of this alteration remains unclear.

NM_007113.4(TCHH):c.5666A>T (p.Gln1889Leu)

Gene: TCHH (trichohyalin; minus strand). Cytogenetic location: 1q21.3.
Variant type: single nucleotide variant.
Coding change: c.5666A>T on transcript NM_007113.4 (MANE Select); coding-DNA position 5666, A replaced by T.
Protein change: p.Gln1889Leu; replaces glutamine 1889 with leucine.
Molecular consequence: missense variant.
Genome position (GRCh38, 1-based): chr1:152,107,551, T>A on the plus strand (A>T on the coding strand, the complement: TCHH is on the minus strand). VCF-style: chr1-152107551-T-A. GRCh37 (hg19) VCF-style: chr1-152080027-T-A.
Other names: short protein forms Q1889L.
Identifiers: ClinVar variation 4838411 (VCV004838411.1).